The following is an entry in ClinVar:

NM_001001957.2(OR2W3):c.306C>G (p.Phe102Leu)

Gene: OR2W3 (olfactory receptor family 2 subfamily W member 3; plus strand). Cytogenetic location: 1q44.
Variant type: single nucleotide variant.
Coding change: c.306C>G on transcript NM_001001957.2 (MANE Select); coding-DNA position 306, C replaced by G.
Protein change: p.Phe102Leu; replaces phenylalanine 102 with leucine.
Molecular consequence: missense variant.
Genome position (GRCh38, 1-based): chr1:247,895,892, C>G. VCF-style: chr1-247895892-C-G. GRCh37 (hg19) VCF-style: chr1-248059194-C-G.
Other names: short protein forms F102L.
Identifiers: ClinVar variation 2014789 (VCV002014789.4), dbSNP rs1276597322, ClinGen allele CA345591975.

ClinVar aggregate classification (germline): Uncertain significance (1 of 4 stars; one submission).

Allele frequency attached by ClinVar (database versions not stated): gnomAD exomes below 0.00001.

Submission:

Labcorp Genetics (formerly Invitae), Labcorp
Classification: Uncertain significance. Last evaluated: 2022-09-28. Review status: criteria provided, single submitter. Criteria: Invitae Variant Classification Sherloc (09022015). Collection method: clinical testing. Allele origin: germline.
Comment: This sequence change replaces phenylalanine, which is neutral and non-polar, with leucine, which is neutral and non-polar, at codon 102 of the OR2W3 protein (p.Phe102Leu). This variant is present in population databases (no rsID available, gnomAD no frequency). This variant has not been reported in the literature in individuals affected with OR2W3-related conditions. Algorithms developed to predict the effect of missense changes on protein structure and function (SIFT, PolyPhen-2, Align-GVGD) all suggest that this variant is likely to be tolerated. In summary, the available evidence is currently insufficient to determine the role of this variant in disease. Therefore, it has been classified as a Variant of Uncertain Significance.